The following is an entry in ClinVar:

NM_003966.3(SEMA5A):c.3008C>T (p.Ala1003Val)

Gene: SEMA5A (semaphorin 5A; minus strand). Cytogenetic location: 5p15.31.
Variant type: single nucleotide variant.
Coding change: c.3008C>T on transcript NM_003966.3 (MANE Select); coding-DNA position 3008, C replaced by T.
Protein change: p.Ala1003Val; replaces alanine 1003 with valine.
Molecular consequence: missense variant.
Genome position (GRCh38, 1-based): chr5:9,044,470, G>A on the plus strand (C>T on the coding strand, the complement: SEMA5A is on the minus strand). VCF-style: chr5-9044470-G-A. GRCh37 (hg19) VCF-style: chr5-9044582-G-A.
Other names: NC_000005.9:g.9044582G>A; short protein forms A1003V.
Identifiers: ClinVar variation 3038259 (VCV003038259.3), dbSNP rs138582608, ClinGen allele CA3196223.

ClinVar aggregate classification (germline): Likely benign (0 of 4 stars; one submission).

Conditions:
SEMA5A-related disorder. Also called: SEMA5A-related condition.

Allele frequency attached by ClinVar (database versions not stated): 1000 Genomes Project 30x 0.00031; 1000 Genomes Project 0.00040; TOPMed 0.00114; gnomAD 0.00121; ExAC 0.00128; ESP Exome Variant Server 0.00154; gnomAD exomes 0.00204.
gnomAD v4.1: 3,106 of 1,613,998 alleles (0.19%); highest among the groups gnomAD compares: Non-Finnish European, 0.25%; 7 homozygotes.

Submissions (4):

PreventionGenetics, part of Exact Sciences
Classification: Likely benign for SEMA5A-related condition. Last evaluated: 2022-05-04. Review status: no assertion criteria provided. Collection method: clinical testing. Allele origin: germline.
Comment: This variant is classified as likely benign based on ACMG/AMP sequence variant interpretation guidelines (Richards et al. 2015 PMID: 25741868, with internal and published modifications).

Dr. Peter K. Rogan Lab, Western University
No classification provided (evidence only). Condition: Familial cancer of breast. Review status: no classification provided. Collection method: in vitro. Allele origin: not applicable. Functional consequence: retained intron. Not counted in ClinVar's aggregate classification.

Dr. Peter K. Rogan Lab, Western University
No classification provided (evidence only). Condition: Thyroid cancer, nonmedullary, 1. Review status: no classification provided. Collection method: in vitro. Allele origin: not applicable. Functional consequence: retained intron. Not counted in ClinVar's aggregate classification.

Dr. Peter K. Rogan Lab, Western University
No classification provided (evidence only). Condition: Gastric cancer. Review status: no classification provided. Collection method: in vitro. Allele origin: not applicable. Functional consequence: retained intron. Not counted in ClinVar's aggregate classification.